The following is an entry in ClinVar:

ClinVar aggregate classification (germline): Uncertain significance (1 of 4 stars; one submission).

Conditions:
Cryptosporidiosis-chronic cholangitis-liver disease syndrome. Also called: Immunodeficiency type 56; IL21R immunodeficiency. Identifiers: Orphanet 357329, MedGen C3554687, MONDO:0014082, OMIM 615207.

Allele frequency attached by ClinVar (database versions not stated): gnomAD exomes below 0.00001 and 0.00001; ExAC 0.00001.
gnomAD v4.1: 13 of 1,591,060 alleles (0.00082%); highest among the groups gnomAD compares: South Asian, 0.0057%; no homozygotes.

Submission:

Labcorp Genetics (formerly Invitae), Labcorp
Classification: Uncertain significance for Cryptosporidiosis-chronic cholangitis-liver disease syndrome. Last evaluated: 2020-03-09. Review status: criteria provided, single submitter. Criteria: Invitae Variant Classification Sherloc (09022015). Collection method: clinical testing. Allele origin: germline.
Comment: This sequence change replaces valine with methionine at codon 200 of the IL21R protein (p.Val200Met). The valine residue is highly conserved and there is a small physicochemical difference between valine and methionine. This variant is present in population databases (rs759494920, ExAC 0.008%). This variant has not been reported in the literature in individuals with IL21R-related conditions. Algorithms developed to predict the effect of missense changes on protein structure and function output the following: SIFT: "Deleterious"; PolyPhen-2: "Possibly Damaging"; Align-GVGD: "Class C15". The methionine amino acid residue is found in multiple mammalian species, suggesting that this missense change does not adversely affect protein function. These predictions have not been confirmed by published functional studies and their clinical significance is uncertain. In summary, the available evidence is currently insufficient to determine the role of this variant in disease. Therefore, it has been classified as a Variant of Uncertain Significance.

NM_181078.3(IL21R):c.598G>A (p.Val200Met)

Gene: IL21R (interleukin 21 receptor; plus strand). Cytogenetic location: 16p12.1.
Variant type: single nucleotide variant.
Coding change: c.598G>A on transcript NM_181078.3 (MANE Select); coding-DNA position 598, G replaced by A.
Protein change: p.Val200Met; replaces valine 200 with methionine.
Molecular consequence: missense variant.
Genome position (GRCh38, 1-based): chr16:27,444,632, G>A. VCF-style: chr16-27444632-G-A. GRCh37 (hg19) VCF-style: chr16-27455953-G-A.
Other names: c.598G>A, p.Val200Met (NM_021798.4); c.664G>A, p.Val222Met (NM_181079.5); short protein forms V200M, V222M.
Identifiers: ClinVar variation 1002481 (VCV001002481.9), dbSNP rs759494920, ClinGen allele CA7975018.